The following is an entry in ClinVar:

NM_001029896.2(WDR45):c.704C>T (p.Thr235Ile)

Gene: WDR45 (WD repeat domain 45; minus strand). Cytogenetic location: Xp11.23.
Variant type: single nucleotide variant.
Coding change: c.704C>T on transcript NM_001029896.2 (MANE Select); coding-DNA position 704, C replaced by T.
Protein change: p.Thr235Ile; replaces threonine 235 with isoleucine.
Molecular consequence: missense variant.
Genome position (GRCh38, 1-based): chrX:49,075,566, G>A on the plus strand (C>T on the coding strand, the complement: WDR45 is on the minus strand). VCF-style: chrX-49075566-G-A. GRCh37 (hg19) VCF-style: chrX-48933225-G-A.
Other names: c.707C>T, p.Thr236Ile (NM_007075.4); short protein forms T235I, T236I.
Identifiers: ClinVar variation 3659336 (VCV003659336.2).

ClinVar aggregate classification (germline): Uncertain significance (1 of 4 stars; one submission).

Conditions:
Neurodegeneration with brain iron accumulation 5 (NBIA5). Also called: STATIC ENCEPHALOPATHY OF CHILDHOOD WITH NEURODEGENERATION IN ADULTHOOD; Beta-propeller protein-associated neurodegeneration. Identifiers: Orphanet 329284, MedGen C3550973, MONDO:0010476, OMIM 300894.

Submission:

Labcorp Genetics (formerly Invitae), Labcorp
Classification: Uncertain significance for Neurodegeneration with brain iron accumulation 5. Last evaluated: 2024-07-12. Review status: criteria provided, single submitter. Criteria: Invitae Variant Classification Sherloc (09022015). Collection method: clinical testing. Allele origin: germline.
Comment: This sequence change replaces threonine, which is neutral and polar, with isoleucine, which is neutral and non-polar, at codon 236 of the WDR45 protein (p.Thr236Ile). This variant is not present in population databases (gnomAD no frequency). This variant has not been reported in the literature in individuals affected with WDR45-related conditions. Advanced modeling of protein sequence and biophysical properties (such as structural, functional, and spatial information, amino acid conservation, physicochemical variation, residue mobility, and thermodynamic stability) performed at Invitae indicates that this missense variant is not expected to disrupt WDR45 protein function with a negative predictive value of 80%. In summary, the available evidence is currently insufficient to determine the role of this variant in disease. Therefore, it has been classified as a Variant of Uncertain Significance.